The following is an entry in ClinVar:

ClinVar aggregate classification (germline): Uncertain significance (1 of 4 stars; one submission).

Conditions:
Long QT syndrome (LQTS). Identifiers: MedGen C0023976, MeSH D008133, MONDO:0002442. Disease mechanism: loss of function. Inheritance: Various modes of inheritance.

Submissions (2):

Labcorp Genetics (formerly Invitae), Labcorp
Classification: Uncertain significance for Long QT syndrome. Last evaluated: 2025-08-13. Review status: criteria provided, single submitter. Criteria: Invitae Variant Classification Sherloc (09022015). Collection method: clinical testing. Allele origin: germline.
Comment: This sequence change replaces leucine, which is neutral and non-polar, with isoleucine, which is neutral and non-polar, at codon 48 of the KCNE1 protein (p.Leu48Ile). This variant is not present in population databases (gnomAD no frequency). This missense change has been observed in individual(s) with clinical features of KCNE1-related conditions (PMID: 35352813). ClinVar contains an entry for this variant (Variation ID: 653746). Invitae Evidence Modeling of protein sequence and biophysical properties (such as structural, functional, and spatial information, amino acid conservation, physicochemical variation, residue mobility, and thermodynamic stability) has been performed for this missense variant. However, the output from this modeling did not meet the statistical confidence thresholds required to predict the impact of this variant on KCNE1 protein function. In summary, the available evidence is currently insufficient to determine the role of this variant in disease. Therefore, it has been classified as a Variant of Uncertain Significance.

Roden Lab, Vanderbilt University Medical Center
No classification provided (evidence only). Condition: Long QT syndrome 5. Review status: no classification provided. Collection method: in vitro. Allele origin: not applicable. Functional consequence: Effect on ion channel function. Not counted in ClinVar's aggregate classification.
ClinVar note: "not provided" was previously submitted as the classification for the variant. However, the classification appeared to be based only on an observation of functional data so it was converted to no classification on 2025-07-30.

Literature cited by the submitters: PubMed 35352813 (cited by Labcorp Genetics (formerly Invitae), Labcorp).

NM_000219.6(KCNE1):c.142C>A (p.Leu48Ile)

Gene: KCNE1 (potassium voltage-gated channel subfamily E regulatory subunit 1; minus strand). Cytogenetic location: 21q22.12.
Variant type: single nucleotide variant.
Coding change: c.142C>A on transcript NM_000219.6 (MANE Select); coding-DNA position 142, C replaced by A.
Protein change: p.Leu48Ile; replaces leucine 48 with isoleucine.
Molecular consequence: missense variant.
Genome position (GRCh38, 1-based): chr21:34,449,493, G>T on the plus strand (C>A on the coding strand, the complement: KCNE1 is on the minus strand). VCF-style: chr21-34449493-G-T. GRCh37 (hg19) VCF-style: chr21-35821791-G-T.
Other names: c.142C>A, p.Leu48Ile (NM_001127668.4, NM_001127669.4, NM_001127670.4 and 4 more transcripts); short protein forms L48I.
Identifiers: ClinVar variation 653746 (VCV000653746.10), dbSNP rs75610894, ClinGen allele CA410198401.